The following is an entry in ClinVar:

NM_000388.4(CASR):c.848T>C (p.Ile283Thr)

Gene: CASR (calcium sensing receptor; plus strand). Cytogenetic location: 3q21.1.
Variant type: single nucleotide variant.
Coding change: c.848T>C on transcript NM_000388.4 (MANE Select); coding-DNA position 848, T replaced by C.
Protein change: p.Ile283Thr; replaces isoleucine 283 with threonine.
Molecular consequence: missense variant.
Genome position (GRCh38, 1-based): chr3:122,261,883, T>C. VCF-style: chr3-122261883-T-C. GRCh37 (hg19) VCF-style: chr3-121980730-T-C.
Other names: p.Ile283Thr; c.848T>C, p.Ile283Thr (NM_001178065.2); c.848T>C (NM_001178065.1); short protein forms I283T.
Identifiers: ClinVar variation 410355 (VCV000410355.75), dbSNP rs142745096, ClinGen allele CA2569545.

ClinVar aggregate classification (germline): Conflicting classifications of pathogenicity. Review status: criteria provided, conflicting classifications (1 of 4 stars). 16 submissions from 16 submitters: Pathogenic (2); Likely pathogenic (1); Uncertain significance (11); Likely benign (1). 1 of the submissions does not count toward it. Last evaluated 2026-08-06.

Conditions:
CASR-related disorder. Also called: CASR-related condition.
Familial hypocalciuric hypercalcemia (FHH). Also called: Familial benign hypercalcemia. Identifiers: Orphanet 405, MedGen C1809471, MONDO:0018458.
Autosomal dominant hypocalcemia 1 (HYPOC1). Also called: HYPOCALCEMIA, FAMILIAL. Identifiers: MedGen C3715128, MONDO:0011013, OMIM 601198.
Familial hyperparathyroidism or Hypocalciuric hypercalcaemia.
Nephrolithiasis/nephrocalcinosis. Identifiers: MedGen CN580796.
Neonatal severe primary hyperparathyroidism. Identifiers: Orphanet 417, MedGen C1832615, MONDO:0009397, OMIM 239200.
Epilepsy, idiopathic generalized, susceptibility to, 8. Identifiers: MedGen C2752062, MONDO:0013032, OMIM 612899.
Familial hypocalciuric hypercalcemia 1. Also called: Hypercalcemia, familial benign type 1. Identifiers: Orphanet 405, Orphanet 93372, MedGen C0342637, MONDO:0007791, OMIM 145980.

Allele frequency attached by ClinVar (database versions not stated): gnomAD 0.00007; ESP Exome Variant Server 0.00008; TOPMed 0.00009; gnomAD exomes 0.00010 and 0.00006; ExAC 0.00013.
gnomAD v4.1: 110 of 1,614,100 alleles (0.0068%); highest among the groups gnomAD compares: Middle Eastern, 0.12%; 1 homozygote.

Submissions (16):

Cambridge Genomics Laboratory, East Genomic Laboratory Hub, NHS Genomic Medicine Service
Classification: Uncertain significance for Familial hyperparathyroidism or Hypocalciuric hypercalcaemia. Last evaluated: 2026-08-06. Review status: criteria provided, single submitter. Criteria: ACGS Best Practice Guidelines for Variant Classification in Rare Disease 2020. Collection method: clinical testing. Allele origin: germline. Affected: yes.
Comment: PS3_Supporting,PS4_Supporting,PP3,PP4

Labcorp Genetics (formerly Invitae), Labcorp
Classification: Likely benign for Familial hypocalciuric hypercalcemia; Autosomal dominant hypocalcemia 1. Last evaluated: 2026-01-18. Review status: criteria provided, single submitter. Criteria: Invitae Variant Classification Sherloc (09022015). Collection method: clinical testing. Allele origin: germline.

PreventionGenetics, part of Exact Sciences
Classification: Uncertain significance for CASR-related condition. Last evaluated: 2025-12-31. Review status: criteria provided, single submitter. Criteria: ACMG Guidelines, 2015. Collection method: clinical testing. Allele origin: germline.
Comment: The CASR c.848T>C variant is predicted to result in the amino acid substitution p.Ile283Thr. This variant is reported in 0.017% of alleles in individuals of European (non-Finnish) descent in gnomAD. At this time, its clinical significance is uncertain due to the absence of conclusive functional and genetic evidence.

Center for Genomic Medicine, Rigshospitalet, Copenhagen University Hospital
Classification: Uncertain significance. Last evaluated: 2025-03-04. Review status: criteria provided, single submitter. Criteria: ACMG Guidelines, 2015. Collection method: clinical testing. Allele origin: germline.

Genomic Medicine Center of Excellence, King Faisal Specialist Hospital and Research Centre
Classification: Likely pathogenic for Familial hypocalciuric hypercalcemia 1. Last evaluated: 2024-03-25. Review status: criteria provided, single submitter. Criteria: ACMG Guidelines, 2015. Collection method: clinical testing. Allele origin: germline.

Fulgent Genetics
Classification: Uncertain significance for Familial hypocalciuric hypercalcemia 1; Neonatal severe primary hyperparathyroidism; Autosomal dominant hypocalcemia 1; Epilepsy, idiopathic generalized, susceptibility to, 8. Last evaluated: 2024-02-16. Review status: criteria provided, single submitter. Criteria: ACMG Guidelines, 2015. Collection method: clinical testing. Allele origin: germline.

Blueprint Genetics
Classification: Uncertain significance. Last evaluated: 2024-01-10. Review status: criteria provided, single submitter. Criteria: ACMG Guidelines, 2015. Collection method: clinical testing. Allele origin: germline.

Ambry Genetics
Classification: Uncertain significance for Nephrolithiasis/nephrocalcinosis. Last evaluated: 2023-12-05. Review status: criteria provided, single submitter. Criteria: Ambry Variant Classification Scheme 2023. Collection method: clinical testing. Allele origin: germline.
Comment: The p.I283T variant (also known as c.848T>C), located in coding exon 3 of the CASR gene, results from a T to C substitution at nucleotide position 848. The isoleucine at codon 283 is replaced by threonine, an amino acid with similar properties. This variant has been detected in an individual with primary hyperparathyroidism and reported to impair cell surface expression and signaling (Guarnieri V et al. J. Clin. Endocrinol. Metab., 2010 Apr;95:1819-29). This amino acid position is well conserved in available vertebrate species. In addition, this alteration is predicted to be deleterious by in silico analysis. Since supporting evidence is limited at this time, the clinical significance of this alteration remains unclear.

Women's Health and Genetics/Laboratory Corporation of America, LabCorp
Classification: Uncertain significance. Last evaluated: 2023-11-03. Review status: criteria provided, single submitter. Criteria: LabCorp Variant Classification Summary - May 2015. Collection method: clinical testing. Allele origin: germline.
Comment: Variant summary: CASR c.848T>C (p.Ile283Thr) results in a non-conservative amino acid change in the encoded protein sequence. Four of five in-silico tools predict a damaging effect of the variant on protein function. The variant allele was found at a frequency of 0.0001 in 251332 control chromosomes. This frequency is not significantly higher than estimated for a pathogenic variant in CASR causing Familial Hypocalciuric Hypercalcemia (0.0001 vs 0.005), allowing no conclusion about variant significance. c.848T>C has been reported in the literature in at least one heterozygous individual affected with primary hyperparathyroidism (e.g. Guarnieri_2010). These report(s) do not provide unequivocal conclusions about association of the variant with Familial Hypocalciuric Hypercalcemia. One publication reports experimental evidence evaluating an impact on protein function, however, does not allow convincing conclusions about the variant effect (e.g.Guarnieri_2010). Eight submitters have cited clinical-significance assessments for this variant to ClinVar after 2014, classifying the variant as uncertain significance (n=6) or pathogenic (n=2). Based on the evidence outlined above, the variant was classified as uncertain significance.

Revvity Omics, Revvity
Classification: Uncertain significance. Last evaluated: 2023-05-04. Review status: criteria provided, single submitter. Criteria: ACMG Guidelines, 2015. Collection method: clinical testing. Allele origin: germline.

Mayo Clinic Laboratories, Mayo Clinic
Classification: Uncertain significance. Last evaluated: 2023-04-20. Review status: criteria provided, single submitter. Criteria: ACMG Guidelines, 2015. Collection method: clinical testing. Allele origin: germline. Observed: 3 variant alleles.
Comment: PP2, PS4_moderate

Centre of Medical Genetics, University Hospital Muenster
Classification: Uncertain significance. Last evaluated: 2022-03-21. Review status: criteria provided, single submitter. Criteria: ACMG Guidelines, 2015. Collection method: clinical testing. Allele origin: unknown. Affected: yes. Observed: 1 variant allele, 1 heterozygote.
Comment: ACMG categories: PM2,PP3

Athena Diagnostics
Classification: Uncertain significance. Last evaluated: 2021-09-28. Review status: criteria provided, single submitter. Criteria: Athena Diagnostics Criteria. Collection method: clinical testing. Allele origin: unknown.

CeGaT Center for Human Genetics Tuebingen
Classification: Pathogenic. Last evaluated: 2016-11-01. Review status: criteria provided, single submitter. Criteria: CeGaT Center For Human Genetics Tuebingen Variant Classification Criteria Version 2. Collection method: clinical testing. Allele origin: germline. Affected: yes. Observed: 1 variant allele.

GeneDx
Classification: Pathogenic. Last evaluated: 2015-09-15. Review status: criteria provided, single submitter. Criteria: GeneDx Variant Classification (06012015). Collection method: clinical testing. Allele origin: germline. Affected: yes.
Comment: The I283T missense variant in the CASR gene has been reported previously in association with a CASR-related disorder (Guarnieri et al., 2010). Functional analysis showed impaired maturation, cell surface expression, and signaling of the I283T mutant protein compared with wild type. We interpret the I283T variant as pathogenic.

Bioscientia Institut fuer Medizinische Diagnostik GmbH, Sonic Healthcare
Classification: Uncertain significance for Familial hypocalciuric hypercalcemia 1. Last evaluated: 2019-11-08. Review status: no assertion criteria provided. Collection method: clinical testing. Allele origin: germline. Affected: yes. Not counted in ClinVar's aggregate classification.

Literature cited by the submitters: PubMed 20164288 (cited by 5 submitters); PubMed 19179454 (cited by 3 submitters); PubMed 30895164 (cited by Athena Diagnostics).